The following is an entry in ClinVar:

NM_001130965.3(SUN1):c.185C>T (p.Ala62Val)

Gene: SUN1 (Sad1 and UNC84 domain containing 1; plus strand). Cytogenetic location: 7p22.3.
Variant type: single nucleotide variant.
Coding change: c.185C>T on transcript NM_001130965.3 (MANE Select); coding-DNA position 185, C replaced by T.
Protein change: p.Ala62Val; replaces alanine 62 with valine.
Molecular consequence: missense variant. On other transcripts: 5 prime UTR variant (2), non-coding transcript variant (3), intron variant (2).
Genome position (GRCh38, 1-based): chr7:838,905, C>T. VCF-style: chr7-838905-C-T. GRCh37 (hg19) VCF-style: chr7-878542-C-T.
Other names: c.185C>T, p.Ala62Val (NM_001367641.1, NM_001367642.1, NM_001367643.1 and 34 more transcripts); c.35C>T, p.Ala12Val (NM_001367644.1, NM_001367645.1, NM_001367646.1 and 25 more transcripts); c.404C>T, p.Ala135Val (NM_001367651.1); c.-577C>T (NM_001367658.1); c.78-3041C>T (NM_001367695.1); c.-301-3041C>T (NM_001367639.1); c.248C>T, p.Ala83Val (NM_001171945.2); c.-273C>T (NM_001367635.1); short protein forms A135V, A83V, A12V, A62V.
Identifiers: ClinVar variation 2197361 (VCV002197361.4), dbSNP rs1806183280, ClinGen allele CA366544693.

ClinVar aggregate classification (germline): Uncertain significance (1 of 4 stars; one submission).

Conditions:
Emery-Dreifuss muscular dystrophy (EDMD). Also called: Scapuloperoneal syndrome, X-linked (formerly); Humeroperoneal neuromuscular disease, (formerly). Identifiers: Orphanet 261, MedGen C0410189, MONDO:0016830.

Allele frequency attached by ClinVar (database versions not stated): gnomAD exomes below 0.00001; TOPMed 0.00001.
gnomAD v4.1: 6 of 1,611,470 alleles (0.00037%); highest among the groups gnomAD compares: Non-Finnish European, 0.00051%; no homozygotes.

Submission:

Labcorp Genetics (formerly Invitae), Labcorp
Classification: Uncertain significance for Emery-Dreifuss muscular dystrophy. Last evaluated: 2025-05-16. Review status: criteria provided, single submitter. Criteria: Invitae Variant Classification Sherloc (09022015). Collection method: clinical testing. Allele origin: germline.
Comment: This sequence change replaces alanine, which is neutral and non-polar, with valine, which is neutral and non-polar, at codon 62 of the SUN1 protein (p.Ala62Val). This variant is not present in population databases (gnomAD no frequency). This variant has not been reported in the literature in individuals affected with SUN1-related conditions. ClinVar contains an entry for this variant (Variation ID: 2197361). An algorithm developed to predict the effect of missense changes on protein structure and function outputs the following: PolyPhen-2: "Benign". The valine amino acid residue is found in multiple mammalian species, which suggests that this missense change does not adversely affect protein function. In summary, the available evidence is currently insufficient to determine the role of this variant in disease. Therefore, it has been classified as a Variant of Uncertain Significance.